The following is an entry in ClinVar:

ClinVar aggregate classification (germline): Uncertain significance (1 of 4 stars; one submission).

Conditions:
Kabuki syndrome. Also called: NIIKAWA-KUROKI SYNDROME; Kabuki make-up syndrome. Identifiers: Orphanet 2322, MedGen C0796004, MONDO:0016512.

gnomAD v4.1: 1 of 1,612,744 alleles (0.000062%); no homozygotes.

Submission:

Labcorp Genetics (formerly Invitae), Labcorp
Classification: Uncertain significance for Kabuki syndrome. Last evaluated: 2026-02-01. Review status: criteria provided, single submitter. Criteria: Invitae Variant Classification Sherloc (09022015). Collection method: clinical testing. Allele origin: germline.
Comment: This sequence change replaces valine, which is neutral and non-polar, with alanine, which is neutral and non-polar, at codon 2510 of the KMT2D protein (p.Val2510Ala). This variant is not present in population databases (gnomAD no frequency). This variant has not been reported in the literature in individuals affected with KMT2D-related conditions. ClinVar contains an entry for this variant (Variation ID: 2787346). Invitae Evidence Modeling of protein sequence and biophysical properties (such as structural, functional, and spatial information, amino acid conservation, physicochemical variation, residue mobility, and thermodynamic stability) indicates that this missense variant is not expected to disrupt KMT2D protein function with a negative predictive value of 95%. In summary, the available evidence is currently insufficient to determine the role of this variant in disease. Therefore, it has been classified as a Variant of Uncertain Significance.

NM_003482.4(KMT2D):c.7529T>C (p.Val2510Ala)

Gene: KMT2D (lysine methyltransferase 2D; minus strand). Cytogenetic location: 12q13.12.
Variant type: single nucleotide variant.
Coding change: c.7529T>C on transcript NM_003482.4 (MANE Select); coding-DNA position 7529, T replaced by C.
Protein change: p.Val2510Ala; replaces valine 2510 with alanine.
Molecular consequence: missense variant.
Genome position (GRCh38, 1-based): chr12:49,040,241, A>G on the plus strand (T>C on the coding strand, the complement: KMT2D is on the minus strand). VCF-style: chr12-49040241-A-G. GRCh37 (hg19) VCF-style: chr12-49434024-A-G.
Other names: short protein forms V2510A.
Identifiers: ClinVar variation 2787346 (VCV002787346.3), dbSNP rs1943442776, ClinGen allele CA384747525.